The following is an entry in ClinVar:

NM_001927.4(DES):c.640G>T (p.Asp214Tyr)

Gene: DES (desmin; plus strand). Cytogenetic location: 2q35.
Variant type: single nucleotide variant.
Coding change: c.640G>T on transcript NM_001927.4 (MANE Select); coding-DNA position 640, G replaced by T.
Protein change: p.Asp214Tyr; replaces aspartic acid 214 with tyrosine.
Molecular consequence: missense variant. On other transcripts: intron variant (1).
Genome position (GRCh38, 1-based): chr2:219,420,251, G>T. VCF-style: chr2-219420251-G-T. GRCh37 (hg19) VCF-style: chr2-220284973-G-T.
Other names: c.637G>T, p.Asp213Tyr (NM_001382708.1); c.640G>T, p.Asp214Tyr (NM_001382709.1, NM_001382710.1, NM_001382711.1 and 1 more transcripts); c.496-274G>T (NM_001382713.1); short protein forms D213Y, D214Y.
Identifiers: ClinVar variation 1029548 (VCV001029548.4), dbSNP rs1954409882, ClinGen allele CA350690127.
Genomic context (GRCh38, chr2:219,420,251, plus strand): 5'-GCCTTGCTCTGCCCCACCTGGGTGGCGGTGACCATGTCCTTCTCGCTTGGCCTCTCCCAG[G>T]ACGTGGATGCAGCTACTCTAGCTCGCATTGACCTGGAGCGCAGAATTGAATCTCTCAACG-3'
Protein context (NP_001918.3, residues 204-224): AENNLAAFRA[Asp214Tyr]VDAATLARID

ClinVar aggregate classification (germline): Uncertain significance. Review status: criteria provided, multiple submitters, no conflicts (2 of 4 stars). 3 submissions from 3 submitters: Uncertain significance (3). Last evaluated 2025-10-26.

Conditions:
Desmin-related myofibrillar myopathy (MFM1). Also called: Desmin related myopathy (former name); Desmin storage myopathy (former name); MYOFIBRILLAR MYOPATHY WITH ARRHYTHMOGENIC RIGHT VENTRICULAR CARDIOMYOPATHY; DESMIN-RELATED MYOPATHY WITH ARRHYTHMOGENIC RIGHT VENTRICULAR CARDIOMYOPATHY; Myofibrillar myopathy 1; Desminopathy. Identifiers: Orphanet 363543, Orphanet 98909, MedGen C1832370, MONDO:0011076, OMIM 601419.

Submissions (3):

Labcorp Genetics (formerly Invitae), Labcorp
Classification: Uncertain significance for Desmin-related myofibrillar myopathy. Last evaluated: 2025-10-26. Review status: criteria provided, single submitter. Criteria: Invitae Variant Classification Sherloc (09022015). Collection method: clinical testing. Allele origin: germline.
Comment: This sequence change replaces aspartic acid, which is acidic and polar, with tyrosine, which is neutral and polar, at codon 214 of the DES protein (p.Asp214Tyr). This variant is not present in population databases (gnomAD no frequency). This missense change has been observed in individual(s) with DES-related conditions (PMID: 28600779). ClinVar contains an entry for this variant (Variation ID: 1029548). Invitae Evidence Modeling of protein sequence and biophysical properties (such as structural, functional, and spatial information, amino acid conservation, physicochemical variation, residue mobility, and thermodynamic stability) has been performed for this missense variant. However, the output from this modeling did not meet the statistical confidence thresholds required to predict the impact of this variant on DES protein function. In summary, the available evidence is currently insufficient to determine the role of this variant in disease. Therefore, it has been classified as a Variant of Uncertain Significance.

Genomic Medicine Center of Excellence, King Faisal Specialist Hospital and Research Centre
Classification: Uncertain significance for Desmin-related myofibrillar myopathy. Last evaluated: 2025-09-10. Review status: criteria provided, single submitter. Criteria: ACMG Guidelines, 2015. Collection method: clinical testing. Allele origin: germline.

Baylor Genetics
Classification: Uncertain significance for Desmin-related myofibrillar myopathy. Last evaluated: 2020-06-03. Review status: criteria provided, single submitter. Criteria: ACMG Guidelines, 2015. Collection method: clinical testing. Allele origin: unknown. Affected: yes.
Comment: This variant was determined to be of uncertain significance according to ACMG Guidelines, 2015 [PMID:25741868].

Literature cited by the submitters: PubMed 28600779 (cited by Labcorp Genetics (formerly Invitae), Labcorp).